The following is an entry in ClinVar:

ClinVar aggregate classification (germline): Uncertain significance. Review status: criteria provided, multiple submitters, no conflicts (2 of 4 stars). 2 submissions from 2 submitters: Uncertain significance (2). Last evaluated 2025-01-19.

Conditions:
Hereditary cancer-predisposing syndrome. Also called: Hereditary neoplastic syndrome; Neoplastic Syndromes, Hereditary; Tumor predisposition; Hereditary Cancer Syndrome. Identifiers: Orphanet 140162, MedGen C0027672, MeSH D009386, MONDO:0015356.
Neuroblastoma, susceptibility to, 3. Also called: ALK-Related Neuroblastic Tumor Susceptibility. Identifiers: Orphanet 635, MedGen C2751681, MONDO:0013083, OMIM 613014.

Allele frequency attached by ClinVar (database versions not stated): gnomAD exomes below 0.00001 and 0.00001; ExAC 0.00001.
gnomAD v4.1: 4 of 1,614,232 alleles (0.00025%); highest among the groups gnomAD compares: Admixed American, 0.005%; no homozygotes.

Submissions (2):

Ambry Genetics
Classification: Uncertain significance for Hereditary cancer-predisposing syndrome. Last evaluated: 2025-01-19. Review status: criteria provided, single submitter. Criteria: Ambry Variant Classification Scheme 2023. Collection method: clinical testing. Allele origin: germline.

Labcorp Genetics (formerly Invitae), Labcorp
Classification: Uncertain significance for Neuroblastoma, susceptibility to, 3. Last evaluated: 2023-10-18. Review status: criteria provided, single submitter. Criteria: Invitae Variant Classification Sherloc (09022015). Collection method: clinical testing. Allele origin: germline.
Comment: This sequence change replaces histidine, which is basic and polar, with proline, which is neutral and non-polar, at codon 1002 of the ALK protein (p.His1002Pro). This variant is present in population databases (rs760587817, gnomAD 0.003%). This variant has not been reported in the literature in individuals affected with ALK-related conditions. ClinVar contains an entry for this variant (Variation ID: 1023757). An algorithm developed to predict the effect of missense changes on protein structure and function (PolyPhen-2) suggests that this variant is likely to be disruptive. In summary, the available evidence is currently insufficient to determine the role of this variant in disease. Therefore, it has been classified as a Variant of Uncertain Significance.

NM_004304.5(ALK):c.3005A>C (p.His1002Pro)

Gene: ALK (ALK receptor tyrosine kinase; minus strand). Cytogenetic location: 2p23.2.
Variant type: single nucleotide variant.
Coding change: c.3005A>C on transcript NM_004304.5 (MANE Select); coding-DNA position 3005, A replaced by C.
Protein change: p.His1002Pro; replaces histidine 1002 with proline.
Molecular consequence: missense variant.
Genome position (GRCh38, 1-based): chr2:29,226,984, T>G on the plus strand (A>C on the coding strand, the complement: ALK is on the minus strand). VCF-style: chr2-29226984-T-G. GRCh37 (hg19) VCF-style: chr2-29449850-T-G.
Other names: short protein forms H1002P.
Identifiers: ClinVar variation 1023757 (VCV001023757.10), dbSNP rs760587817, ClinGen allele CA1594114.
Genomic context (GRCh38, chr2:29,226,984, plus strand): 5'-ATGCAGGAGACGCCATCCTCAGCCAGCACCGTCCCGTGGTCACAGAAGCAGATGACCTTG[T>G]GGCTTTCAGGGTCCATGTGACATTCGTCTACCTCACAGTGACTGCAGTTTAGATAATGCT-3'
Protein context (NP_004295.2, residues 992-1012): VDECHMDPES[His1002Pro]KVICFCDHGT